The following is an entry in ClinVar:

NM_000368.5(TSC1):c.3183T>C (p.Ser1061=)

Gene: TSC1 (TSC complex subunit 1; minus strand). Cytogenetic location: 9q34.13.
Variant type: single nucleotide variant.
Coding change: c.3183T>C on transcript NM_000368.5 (MANE Select); coding-DNA position 3183, T replaced by C.
Protein change: p.Ser1061=; no amino-acid change (serine 1061 retained).
Molecular consequence: synonymous variant.
Genome position (GRCh38, 1-based): chr9:132,896,547, A>G on the plus strand (T>C on the coding strand, the complement: TSC1 is on the minus strand). VCF-style: chr9-132896547-A-G. GRCh37 (hg19) VCF-style: chr9-135771934-A-G.
Other names: c.3030T>C, p.Ser1010= (NM_001162427.2); c.2820T>C, p.Ser940= (NM_001362177.2); c.3180T>C, p.Ser1060= (NM_001162426.2); c.3183T>C (NM_000368.4).
Identifiers: ClinVar variation 1121904 (VCV001121904.11), dbSNP rs2131603096, ClinGen allele CA467812756.

ClinVar aggregate classification (germline): Benign/Likely benign. Review status: criteria provided, multiple submitters, no conflicts (2 of 4 stars). 3 submissions from 3 submitters: Benign (1); Likely benign (2). Last evaluated 2025-04-30.

Conditions:
Hereditary cancer-predisposing syndrome. Also called: Neoplastic Syndromes, Hereditary; Hereditary Cancer Syndrome; Hereditary neoplastic syndrome; Tumor predisposition. Identifiers: Orphanet 140162, MedGen C0027672, MeSH D009386, MONDO:0015356.
Tuberous sclerosis 1 (TSC1). Identifiers: Orphanet 805, MedGen C1854465, MONDO:0008612, OMIM 191100.

Submissions (3):

Myriad Genetics, Inc.
Classification: Benign for Tuberous sclerosis 1. Last evaluated: 2025-04-30. Review status: criteria provided, single submitter. Criteria: Myriad Autosomal Dominant, Autosomal Recessive and X-Linked Classification Criteria (2023). Collection method: clinical testing. Allele origin: unknown.
Comment: This variant is considered benign. This variant is a silent/synonymous amino acid change and it is not expected to impact splicing.

Labcorp Genetics (formerly Invitae), Labcorp
Classification: Likely benign for Tuberous sclerosis 1. Last evaluated: 2023-12-05. Review status: criteria provided, single submitter. Criteria: Invitae Variant Classification Sherloc (09022015). Collection method: clinical testing. Allele origin: germline.

Ambry Genetics
Classification: Likely benign for Hereditary cancer-predisposing syndrome. Last evaluated: 2023-05-05. Review status: criteria provided, single submitter. Criteria: Ambry Variant Classification Scheme 2023. Collection method: clinical testing. Allele origin: germline.